The following is an entry in ClinVar:

ClinVar aggregate classification (germline): Likely pathogenic (1 of 4 stars; one submission).

Submission:

Labcorp Genetics (formerly Invitae), Labcorp
Classification: Likely pathogenic. Last evaluated: 2022-11-01. Review status: criteria provided, single submitter. Criteria: Invitae Variant Classification Sherloc (09022015). Collection method: clinical testing. Allele origin: germline.
Comment: In summary, the currently available evidence indicates that the variant is pathogenic, but additional data are needed to prove that conclusively. Therefore, this variant has been classified as Likely Pathogenic. Algorithms developed to predict the effect of missense changes on protein structure and function (SIFT, PolyPhen-2, Align-GVGD) all suggest that this variant is likely to be disruptive. This sequence change replaces phenylalanine, which is neutral and non-polar, with valine, which is neutral and non-polar, at codon 495 of the MYH3 protein (p.Phe495Val). This missense change has been observed in individual(s) with clinical features of MYH3-related conditions (Invitae). In at least one individual the variant was observed to be de novo. This variant is not present in population databases (gnomAD no frequency).

NM_002470.4(MYH3):c.1483T>G (p.Phe495Val)

Gene: MYH3 (myosin heavy chain 3; minus strand). Cytogenetic location: 17p13.1.
Variant type: single nucleotide variant.
Coding change: c.1483T>G on transcript NM_002470.4 (MANE Select); coding-DNA position 1483, T replaced by G.
Protein change: p.Phe495Val; replaces phenylalanine 495 with valine.
Molecular consequence: missense variant.
Genome position (GRCh38, 1-based): chr17:10,642,924, A>C on the plus strand (T>G on the coding strand, the complement: MYH3 is on the minus strand). VCF-style: chr17-10642924-A-C. GRCh37 (hg19) VCF-style: chr17-10546241-A-C.
Other names: short protein forms F495V.
Identifiers: ClinVar variation 1721781 (VCV001721781.5), dbSNP rs2508614011, ClinGen allele CA398172839.